The following is an entry in ClinVar:

NM_000352.6(ABCC8):c.1792C>T (p.Arg598Ter)

Gene: ABCC8 (ATP binding cassette subfamily C member 8; minus strand). Cytogenetic location: 11p15.1.
Variant type: single nucleotide variant.
Coding change: c.1792C>T on transcript NM_000352.6 (MANE Select); coding-DNA position 1792, C replaced by T.
Protein change: p.Arg598Ter; replaces arginine 598 with a stop codon.
Molecular consequence: nonsense. On other transcripts: non-coding transcript variant (1).
Genome position (GRCh38, 1-based): chr11:17,430,839, G>A on the plus strand (C>T on the coding strand, the complement: ABCC8 is on the minus strand). VCF-style: chr11-17430839-G-A. GRCh37 (hg19) VCF-style: chr11-17452386-G-A.
Other names: NM_000352.6(ABCC8):c.1792C>T; p.Arg598Ter; c.1792C>T, p.Arg598Ter (NM_001287174.3, NM_001351295.2); c.1789C>T, p.Arg597Ter (NM_001351296.2, NM_001351297.2); short protein forms R598*, R597*.
Identifiers: ClinVar variation 434056 (VCV000434056.28), dbSNP rs139328569, ClinGen allele CA5903454.
Genomic context (GRCh38, chr11:17,430,839, plus strand): 5'-CCTGCCCAGTGCCCTCGCCCGGACCCTCCCCTCACCTCACTAGAGCTTTGACGGTAGATC[G>A]GACCACACTGGACAGCAGGAACAGCGGTGTGACCAAGATATGGAAGAGGGAGAGGGAGGC-3'

ClinVar aggregate classification (germline): Pathogenic. Review status: criteria provided, multiple submitters, no conflicts (2 of 4 stars). 12 submissions from 12 submitters: Pathogenic (11). 1 of the submissions does not count toward it. Last evaluated 2025-10-30.

Conditions:
Hereditary hyperinsulinism.
Hyperinsulinemic hypoglycemia, familial, 1 (HHF1). Also called: Persistent hyperinsulinemic hypoglycemia of infancy; HYPERINSULINISM, FAMILIAL, WITH PANCREATIC NESIDIOBLASTOSIS; HYPOGLYCEMIA, HYPERINSULINEMIC, OF INFANCY; NESIDIOBLASTOSIS OF PANCREAS; Persistent Hyperinsulinemia Hypoglycemia of Infancy. Identifiers: Orphanet 276575, Orphanet 276598, MedGen C2931832, MONDO:0009734, OMIM 256450.
Leucine-induced hypoglycemia (LIH). Also called: LEUCINE-SENSITIVE HYPOGLYCEMIA OF INFANCY. Identifiers: MedGen C0271714, MONDO:0009415, OMIM 240800.
Diabetes mellitus, permanent neonatal 3. Also called: ABCC8-Related Permanent Neonatal Diabetes Mellitus. Identifiers: MedGen C5394303, MONDO:0030088, OMIM 618857.
Type 2 diabetes mellitus. Also called: Type II diabetes mellitus. Identifiers: MedGen C0011860, MeSH D003924, MONDO:0005148, OMIM 125853, HP:0005978.
Diabetes mellitus, transient neonatal, 2 (TNDM2). Identifiers: Orphanet 99886, MedGen C1835887, MONDO:0012480, OMIM 610374. Disease mechanism: loss of function.
Familial hyperinsulinism. Also called: Congenital hyperinsulinism. Identifiers: Orphanet 276525, MedGen C3888018, MONDO:0017182. Disease mechanism: loss of function.
ABCC8-related disorder.

Allele frequency attached by ClinVar (database versions not stated): ESP Exome Variant Server 0.00008; gnomAD 0.00001; gnomAD exomes 0.00001 and 0.00002; ExAC 0.00002; TOPMed 0.00002.

Submissions (12):

GeneDx
Classification: Pathogenic. Last evaluated: 2025-10-30. Review status: criteria provided, single submitter. Criteria: GeneDx Variant Classification Process June 2021. Collection method: clinical testing. Allele origin: germline.
Comment: Reported as a paternally inherited variant in a newborn with hypoglycemia, developmental delay, and microcephly (PMID: 25117148); father was unaffected; Nonsense variant predicted to result in protein truncation or nonsense mediated decay in a gene for which loss of function is a known mechanism of disease; This variant is associated with the following publications: (PMID: 25972930, 32670376, 16429405, 25525159, 31589614, 36208030, 27188453, 24434300, 33300273, 33502730, 36339418, 38791571, 14692646, MadaniH2019[article], 40382736, Koc2025[Poster], 40828772, 25008049, 25117148)

Labcorp Genetics (formerly Invitae), Labcorp
Classification: Pathogenic. Last evaluated: 2025-03-17. Review status: criteria provided, single submitter. Criteria: Invitae Variant Classification Sherloc (09022015). Collection method: clinical testing. Allele origin: germline.
Comment: This sequence change creates a premature translational stop signal (p.Arg598*) in the ABCC8 gene. It is expected to result in an absent or disrupted protein product. Loss-of-function variants in ABCC8 are known to be pathogenic (PMID: 20685672, 23345197). This variant is present in population databases (rs139328569, gnomAD 0.003%). This premature translational stop signal has been observed in individual(s) with congenital hyperinsulinism (PMID: 14692646, 25972930). ClinVar contains an entry for this variant (Variation ID: 434056). For these reasons, this variant has been classified as Pathogenic.

Natera, Inc.
Classification: Pathogenic for Hereditary hyperinsulinism. Last evaluated: 2024-10-24. Review status: criteria provided, single submitter. Criteria: Natera Variant Classification Schema (03/2026). Collection method: clinical testing. Allele origin: germline.
Comment: The c.1792C>T variant in ABCC8 is a nonsense variant predicted to introduce a stop codon at amino acid 598. This variant is expected to result in nonsense mediated decay, truncation, or a dysfunctional protein product. This variant is rare in the general population with a frequency below the threshold expected for the associated phenotype(s). This variant has been observed in one or more individuals affected with the associated recessive disease, as either homozygous or compound heterozygous with a second variant (PMID: 14692646, 24401662). Given the available evidence, this variant is classified as Pathogenic.

Fulgent Genetics
Classification: Pathogenic for Type 2 diabetes mellitus; Leucine-induced hypoglycemia; Hyperinsulinemic hypoglycemia, familial, 1; Diabetes mellitus, transient neonatal, 2; Diabetes mellitus, permanent neonatal 3. Last evaluated: 2024-06-15. Review status: criteria provided, single submitter. Criteria: ACMG Guidelines, 2015. Collection method: clinical testing. Allele origin: germline.

Baylor Genetics
Classification: Pathogenic for Type 2 diabetes mellitus. Last evaluated: 2024-03-09. Review status: criteria provided, single submitter. Criteria: ACMG Guidelines, 2015. Collection method: clinical testing. Allele origin: unknown.

Broad Center for Mendelian Genomics, Broad Institute of MIT and Harvard
Classification: Pathogenic for Hyperinsulinemic hypoglycemia, familial, 1. Last evaluated: 2023-08-16. Review status: criteria provided, single submitter. Criteria: ACMG Guidelines, 2015. Collection method: curation. Allele origin: germline. Inheritance: Autosomal recessive inheritance.
Comment: The Arg598Ter variant in ABCC8 has been reported in >10 individuals with congenital hyperinsulinism (PMID: 20685672, 32851339, 18796520, 15466080, 25972930, 16429405, 16882742, 25639667, 15562009, 25117148), and has been identified in 0.006% (1/16254) of African/African American chromosomes by the Genome Aggregation Database (gnomAD; dbSNP rs139328569). Although this variant has been seen in the general population in a heterozygous state, its frequency is low enough to be consistent with a recessive carrier frequency. This variant has also been reported in ClinVar (VariationID: 434056) as pathogenic by many submitters. Of the 11 affected individuals, at least 4 were compound heterozygotes that carried a reported pathogenic variant in trans, which increases the likelihood that the Arg598Ter variant is pathogenic (Variation ID: 434053; PMID: 18796520, 15466080, 16882742, 15562009, 25117148). In vitro functional studies provide some evidence that the Arg598Ter variant may slightly impact protein function (PMID: 15466080, 36339418). However, these types of assays may not accurately represent biological function. This nonsense variant leads to a premature termination codon at position 598, which is predicted to lead to a truncated or absent protein. Loss of function of the ABCC8 gene is an established disease mechanism in autosomal recessive hyperinsulinemic hypoglycemia. In summary, this variant meets criteria to be classified as pathogenic for autosomal recessive hyperinsulinemic hypoglycemia. ACMG/AMP Criteria applied: PVS1, PM3_very-strong, PS3_moderate, PM2_supporting (Richards 2015).

Women's Health and Genetics/Laboratory Corporation of America, LabCorp
Classification: Pathogenic for Familial hyperinsulinism. Last evaluated: 2021-11-18. Review status: criteria provided, single submitter. Criteria: LabCorp Variant Classification Summary - May 2015. Collection method: clinical testing. Allele origin: germline.
Comment: Variant summary: ABCC8 c.1792C>T (p.Arg598X) results in a premature termination codon, predicted to cause a truncation of the encoded protein or absence of the protein due to nonsense mediated decay, which are commonly known mechanisms for disease. Truncations downstream of this position have been classified as pathogenic by our laboratory. The variant allele was found at a frequency of 1.6e-05 in 251442 control chromosomes. c.1792C>T has been widely reported in the literature in individuals affected with focal and diffuse forms of Congenital Hyperinsulinism (example, Suchi_2003, Roio Liberatore_2015, Mohnike_2014, Sang_2014). These data indicate that the variant is likely to be associated with disease. Three clinical diagnostic laboratories have submitted clinical-significance assessments for this variant to ClinVar after 2014 without evidence for independent evaluation. All laboratories classified the variant as pathogenic. Based on the evidence outlined above, the variant was classified as pathogenic.

Blueprint Genetics
Classification: Pathogenic for ABCC8-related disorders. Last evaluated: 2020-11-25. Review status: criteria provided, single submitter. Criteria: ACMG Guidelines, 2015. Collection method: clinical testing. Allele origin: germline. Affected: yes. Observed: 1 variant allele.

Athena Diagnostics
Classification: Pathogenic. Last evaluated: 2020-09-25. Review status: criteria provided, single submitter. Criteria: Athena Diagnostics criteria. Collection method: clinical testing. Allele origin: unknown.
Comment: This variant is expected to result in the loss of a functional protein. The frequency of this variant in the general population is consistent with pathogenicity. This variant was identified heterozygous or compound heterozygous in individuals with focal or diffuse congenital hyperinsulinism.

Genetic Services Laboratory, University of Chicago
Classification: Pathogenic for Hyperinsulinemic hypoglycemia, familial, 1. Last evaluated: 2017-03-07. Review status: criteria provided, single submitter. Criteria: ACMG Guidelines, 2015. Collection method: clinical testing. Allele origin: germline. Affected: yes.

Molecular Genetics, Madras Diabetes Research Foundation
Classification: Pathogenic for Hyperinsulinemic hypoglycemia, familial, 1. Review status: criteria provided, single submitter. Criteria: ACMG Guidelines, 2015. Collection method: clinical testing. Allele origin: germline. Affected: yes.

PreventionGenetics, part of Exact Sciences
Classification: Pathogenic for ABCC8-related condition. Last evaluated: 2024-01-11. Review status: no assertion criteria provided. Collection method: clinical testing. Allele origin: germline. Not counted in ClinVar's aggregate classification.
Comment: The ABCC8 c.1792C>T variant is predicted to result in premature protein termination (p.Arg598*). This variant has been reported in the compound heterozygous state with a second ABCC8 variant in individuals with diffuse and focal congenital hyperinsulinism (CHI) (Suchi et al. 2003. PubMed ID: 14692646; Snider et al. 2013. PubMedID: 23275527; Mohnike et al. 2014. PubMed ID: 24401662; Xu et al. 2021. PubMed ID: 33502730). This variant has also been reported heterozygous and paternally inherited in individuals with CHI and/or hypoglycemia (De Vroede et al. 2004. PubMed ID: 15466080; Jahnavi et al. 2014. PubMedID: 25117148; Mohnike et al. 2014. PubMed ID: 24401662). One individual of those was found to have mosaic paternal uniparental disomy 11p and suggestive of Beckwith-Wiedemann syndrome (BWS)- spectrum hyperinsulinism (Tung et al. 2020. PubMed ID: 32670376). The majority of individuals were diagnosed with focal CHI. This variant has also been reported de novo in individuals with CHI (Sang et al. 2014. PubMed ID: 25008049; Xu et al. 2021. PubMed ID: 33502730). At PreventionGenetics, this variant has been detected in the heterozygous state in two individuals who received testing for CHI, one of which was compound heterozygous (Internal Data). This variant is reported in 0.0062% of alleles in individuals of African descent in gnomAD. Nonsense variants in ABCC8 are expected to be pathogenic. This variant is interpreted as pathogenic.

Literature cited by the submitters: PubMed 20685672 (cited by Labcorp Genetics (formerly Invitae), Labcorp and Athena Diagnostics); PubMed 23345197 (cited by Labcorp Genetics (formerly Invitae), Labcorp); PubMed 14692646 (cited by 4 submitters); PubMed 25972930 (cited by 3 submitters); PubMed 24401662 (cited by Natera, Inc. and Women's Health and Genetics/Laboratory Corporation of America, LabCorp); PubMed 36339418 (cited by Broad Center for Mendelian Genomics, Broad Institute of MIT and Harvard); PubMed 25008049 (cited by Women's Health and Genetics/Laboratory Corporation of America, LabCorp and Athena Diagnostics); PubMed 14715863 (cited by Athena Diagnostics); PubMed 15466080 (cited by Athena Diagnostics); PubMed 15562009 (cited by Athena Diagnostics); PubMed 16429405 (cited by Athena Diagnostics); PubMed 16882742 (cited by Athena Diagnostics); PubMed 18796520 (cited by Athena Diagnostics); PubMed 24434300 (cited by Athena Diagnostics); PubMed 32670376 (cited by Athena Diagnostics); PubMed 25117148 (cited by Athena Diagnostics and Molecular Genetics, Madras Diabetes Research Foundation).